The following is an entry in ClinVar:

ClinVar aggregate classification (germline): Uncertain significance (1 of 4 stars; one submission).

Conditions:
Congenital myasthenic syndrome 4A. Also called: Myasthenic syndrome, congenital, 4a, slow-channel; MYASTHENIC SYNDROME, CONGENITAL, 4A, SLOW-CHANNEL, AUTOSOMAL RECESSIVE; CONGENITAL MYASTHENIC SYNDROME TYPE Ia1. Identifiers: Orphanet 590, MedGen C4225413, MONDO:0011600, OMIM 605809.

gnomAD v4.1: 8 of 1,610,244 alleles (0.0005%); highest among the groups gnomAD compares: Non-Finnish European, 0.00068%; no homozygotes.

Submission:

Labcorp Genetics (formerly Invitae), Labcorp
Classification: Uncertain significance for Congenital myasthenic syndrome 4A. Last evaluated: 2025-12-15. Review status: criteria provided, single submitter. Criteria: Invitae Variant Classification Sherloc (09022015). Collection method: clinical testing. Allele origin: germline.
Comment: This sequence change replaces isoleucine, which is neutral and non-polar, with valine, which is neutral and non-polar, at codon 61 of the CHRNE protein (p.Ile61Val). This variant is not present in population databases (gnomAD no frequency). This variant has not been reported in the literature in individuals affected with CHRNE-related conditions. ClinVar contains an entry for this variant (Variation ID: 2991010). Invitae Evidence Modeling of protein sequence and biophysical properties (such as structural, functional, and spatial information, amino acid conservation, physicochemical variation, residue mobility, and thermodynamic stability) has been performed for this missense variant. However, the output from this modeling did not meet the statistical confidence thresholds required to predict the impact of this variant on CHRNE protein function. In summary, the available evidence is currently insufficient to determine the role of this variant in disease. Therefore, it has been classified as a Variant of Uncertain Significance.

NM_000080.4(CHRNE):c.181A>G (p.Ile61Val)

Genes: C17orf107 (chromosome 17 open reading frame 107; plus strand), CHRNE (cholinergic receptor nicotinic epsilon subunit; minus strand). Cytogenetic location: 17p13.2.
Variant type: single nucleotide variant.
Coding change: c.181A>G on transcript NM_000080.4 (MANE Select); coding-DNA position 181, A replaced by G.
Protein change: p.Ile61Val; replaces isoleucine 61 with valine.
Molecular consequence: missense variant. On other transcripts: 3 prime UTR variant (1).
Genome position (GRCh38, 1-based): chr17:4,902,629, T>C on the plus strand (A>G on the coding strand, the complement: CHRNE is on the minus strand). VCF-style: chr17-4902629-T-C. GRCh37 (hg19) VCF-style: chr17-4805924-T-C.
Other names: c.*2096T>C (NM_001145536.2); short protein forms I61V.
Identifiers: ClinVar variation 2991010 (VCV002991010.3), dbSNP rs765180335, ClinGen allele CA397307655.